The following is an entry in ClinVar:

ClinVar aggregate classification (germline): Likely benign (0 of 4 stars; one submission).

Conditions:
ALPL-related disorder. Also called: ALPL-related disorders; ALPL-related condition.

Allele frequency attached by ClinVar (database versions not stated): gnomAD exomes 0.00005; TOPMed 0.00007; ExAC 0.00008; ESP Exome Variant Server 0.00008; gnomAD 0.00013.
gnomAD v4.1: 91 of 1,611,442 alleles (0.0056%); highest among the groups gnomAD compares: Admixed American, 0.012%; no homozygotes.

Submission:

PreventionGenetics, part of Exact Sciences
Classification: Likely benign for ALPL-related condition. Last evaluated: 2022-04-10. Review status: no assertion criteria provided. Collection method: clinical testing. Allele origin: germline.
Comment: This variant is classified as likely benign based on ACMG/AMP sequence variant interpretation guidelines (Richards et al. 2015 PMID: 25741868, with internal and published modifications).

NM_000478.6(ALPL):c.793-30G>A

Gene: ALPL (alkaline phosphatase, biomineralization associated; plus strand). Cytogenetic location: 1p36.12.
Variant type: single nucleotide variant.
Coding change: c.793-30G>A on transcript NM_000478.6 (MANE Select); 30 bases into the intron before coding-DNA position 793, G replaced by A.
Molecular consequence: intron variant.
Genome position (GRCh38, 1-based): chr1:21,570,275, G>A. VCF-style: chr1-21570275-G-A. GRCh37 (hg19) VCF-style: chr1-21896768-G-A.
Other names: c.793-30G>A (NM_001369805.2, NM_001369804.2, NM_001369803.2); c.628-30G>A (NM_001127501.4); c.562-30G>A (NM_001177520.3).
Identifiers: ClinVar variation 3030996 (VCV003030996.2), dbSNP rs371606181, ClinGen allele CA666619.